The following is an entry in ClinVar:

NM_198880.3(QRICH1):c.199A>G (p.Thr67Ala)

Gene: QRICH1 (glutamine rich 1; minus strand). Cytogenetic location: 3p21.31.
Variant type: single nucleotide variant.
Coding change: c.199A>G on transcript NM_198880.3 (MANE Select); coding-DNA position 199, A replaced by G.
Protein change: p.Thr67Ala; replaces threonine 67 with alanine.
Molecular consequence: missense variant.
Genome position (GRCh38, 1-based): chr3:49,076,819, T>C on the plus strand (A>G on the coding strand, the complement: QRICH1 is on the minus strand). VCF-style: chr3-49076819-T-C. GRCh37 (hg19) VCF-style: chr3-49114252-T-C.
Other names: c.199A>G, p.Thr67Ala (NM_001320580.2, NM_001320581.2, NM_001320582.2 and 4 more transcripts); short protein forms T67A.
Identifiers: ClinVar variation 1313465 (VCV001313465.2), dbSNP rs2106982905, ClinGen allele CA352686044.

ClinVar aggregate classification (germline): Uncertain significance (1 of 4 stars; one submission).

Submission:

GeneDx
Classification: Uncertain significance. Last evaluated: 2020-10-16. Review status: criteria provided, single submitter. Criteria: GeneDx Variant Classification Process June 2021. Collection method: clinical testing. Allele origin: germline. Affected: yes.
Comment: Not observed in large population cohorts (Lek et al., 2016); In silico analysis supports that this missense variant has a deleterious effect on protein structure/function; Has not been previously published as pathogenic or benign to our knowledge